The following is an entry in ClinVar:

NM_000212.3(ITGB3):c.1088C>G (p.Ser363Cys)

Gene: ITGB3 (integrin subunit beta 3; plus strand). Cytogenetic location: 17q21.32.
Variant type: single nucleotide variant.
Coding change: c.1088C>G on transcript NM_000212.3 (MANE Select); coding-DNA position 1088, C replaced by G.
Protein change: p.Ser363Cys; replaces serine 363 with cysteine.
Molecular consequence: missense variant.
Genome position (GRCh38, 1-based): chr17:47,290,237, C>G. VCF-style: chr17-47290237-C-G. GRCh37 (hg19) VCF-style: chr17-45367603-C-G.
Other names: short protein forms S363C.
Identifiers: ClinVar variation 3068852 (VCV003068852.2), dbSNP rs2547618029, ClinGen allele CA400026266.

ClinVar aggregate classification (germline): Uncertain significance (1 of 4 stars; one submission).

Submission:

Women's Health and Genetics/Laboratory Corporation of America, LabCorp
Classification: Uncertain significance. Last evaluated: 2024-02-07. Review status: criteria provided, single submitter. Criteria: LabCorp Variant Classification Summary - May 2015. Collection method: clinical testing. Allele origin: germline.
Comment: Variant summary: ITGB3 c.1088C>G (p.Ser363Cys) results in a non-conservative amino acid change in the encoded protein sequence. Five of five in-silico tools predict a damaging effect of the variant on protein function. The variant was absent in 251492 control chromosomes (gnomAD). The available data on variant occurrences in the general population are insufficient to allow any conclusion about variant significance. To our knowledge, no occurrence of c.1088C>G in individuals affected with Glanzmann Thrombasthenia 2 and no experimental evidence demonstrating its impact on protein function have been reported. No submitters have cited clinical-significance assessments for this variant to ClinVar. Based on the evidence outlined above, the variant was classified as uncertain significance.